The following is an entry in ClinVar:

NM_002470.4(MYH3):c.5425G>A (p.Gly1809Arg)

Gene: MYH3 (myosin heavy chain 3; minus strand). Cytogenetic location: 17p13.1.
Variant type: single nucleotide variant.
Coding change: c.5425G>A on transcript NM_002470.4 (MANE Select); coding-DNA position 5425, G replaced by A.
Protein change: p.Gly1809Arg; replaces glycine 1809 with arginine.
Molecular consequence: missense variant.
Genome position (GRCh38, 1-based): chr17:10,630,320, C>T on the plus strand (G>A on the coding strand, the complement: MYH3 is on the minus strand). VCF-style: chr17-10630320-C-T. GRCh37 (hg19) VCF-style: chr17-10533637-C-T.
Other names: short protein forms G1809R.
Identifiers: ClinVar variation 2052456 (VCV002052456.4), dbSNP rs750520481, ClinGen allele CA8391936.
Genomic context (GRCh38, chr17:10,630,320, plus strand): 5'-GCGCAGGCGGGGTTCCTCCTGCACACACCCTGGTCTCCAGTTTCTGGATCTGCTTCTTCC[C>T]GCCCTTCAGCGCCAGCTGCTCGGCCTCATCTAGACGATGCTGCAGGTCCTTCACCGTCTG-3'
Protein context (NP_002461.2, residues 1799-1819): DEAEQLALKG[Gly1809Arg]KKQIQKLETR

ClinVar aggregate classification (germline): Uncertain significance (1 of 4 stars; one submission).

Allele frequency attached by ClinVar (database versions not stated): TOPMed below 0.00001; ExAC 0.00002; gnomAD exomes 0.00001.
gnomAD v4.1: 15 of 1,614,190 alleles (0.00093%); highest among the groups gnomAD compares: Middle Eastern, 0.016%; no homozygotes.

Submission:

Labcorp Genetics (formerly Invitae), Labcorp
Classification: Uncertain significance. Last evaluated: 2022-09-23. Review status: criteria provided, single submitter. Criteria: Invitae Variant Classification Sherloc (09022015). Collection method: clinical testing. Allele origin: germline.
Comment: This sequence change replaces glycine, which is neutral and non-polar, with arginine, which is basic and polar, at codon 1809 of the MYH3 protein (p.Gly1809Arg). This variant is present in population databases (rs750520481, gnomAD 0.003%). This variant has not been reported in the literature in individuals affected with MYH3-related conditions. Advanced modeling of protein sequence and biophysical properties (such as structural, functional, and spatial information, amino acid conservation, physicochemical variation, residue mobility, and thermodynamic stability) performed at Invitae indicates that this missense variant is not expected to disrupt MYH3 protein function. In summary, the available evidence is currently insufficient to determine the role of this variant in disease. Therefore, it has been classified as a Variant of Uncertain Significance.